The following is an entry in ClinVar:

NM_001363.5(DKC1):c.749G>A (p.Arg250His)

Gene: DKC1 (dyskerin pseudouridine synthase 1; plus strand). Cytogenetic location: Xq28.
Variant type: single nucleotide variant.
Coding change: c.749G>A on transcript NM_001363.5 (MANE Select); coding-DNA position 749, G replaced by A.
Protein change: p.Arg250His; replaces arginine 250 with histidine.
Molecular consequence: missense variant. On other transcripts: non-coding transcript variant (3).
Genome position (GRCh38, 1-based): chrX:154,768,410, G>A. VCF-style: chrX-154768410-G-A. GRCh37 (hg19) VCF-style: chrX-153996685-G-A.
Other names: c.749G>A, p.Arg250His (NM_001142463.3, NM_001288747.2); short protein forms R250H.
Identifiers: ClinVar variation 2277200 (VCV002277200.3), dbSNP rs2523688453, ClinGen allele CA414890766.

ClinVar aggregate classification (germline): Uncertain significance. Review status: criteria provided, multiple submitters, no conflicts (2 of 4 stars). 2 submissions from 2 submitters: Uncertain significance (2). Last evaluated 2025-10-18.

Conditions:
Dyskeratosis congenita. Identifiers: Orphanet 1775, MedGen C0265965, MONDO:0015780.

Submissions (2):

Labcorp Genetics (formerly Invitae), Labcorp
Classification: Uncertain significance for Dyskeratosis congenita. Last evaluated: 2025-10-18. Review status: criteria provided, single submitter. Criteria: Invitae Variant Classification Sherloc (09022015). Collection method: clinical testing. Allele origin: germline.
Comment: This sequence change replaces arginine, which is basic and polar, with histidine, which is basic and polar, at codon 250 of the DKC1 protein (p.Arg250His). This variant is not present in population databases (gnomAD no frequency). This variant has not been reported in the literature in individuals affected with DKC1-related conditions. ClinVar contains an entry for this variant (Variation ID: 2277200). Invitae Evidence Modeling of protein sequence and biophysical properties (such as structural, functional, and spatial information, amino acid conservation, physicochemical variation, residue mobility, and thermodynamic stability) indicates that this missense variant is expected to disrupt DKC1 protein function with a positive predictive value of 80%. In summary, the available evidence is currently insufficient to determine the role of this variant in disease. Therefore, it has been classified as a Variant of Uncertain Significance.

Ambry Genetics
Classification: Uncertain significance for Dyskeratosis congenita. Last evaluated: 2022-02-11. Review status: criteria provided, single submitter. Criteria: Ambry Variant Classification Scheme 2023. Collection method: clinical testing. Allele origin: germline.